The following is an entry in ClinVar:

ClinVar aggregate classification (germline): Pathogenic (1 of 4 stars; one submission).

Submission:

Labcorp Genetics (formerly Invitae), Labcorp
Classification: Pathogenic. Last evaluated: 2025-09-02. Review status: criteria provided, single submitter. Criteria: Invitae Variant Classification Sherloc (09022015). Collection method: clinical testing. Allele origin: germline.
Comment: This sequence change creates a premature translational stop signal (p.Pro1014Argfs*2) in the TONSL gene. It is expected to result in an absent or disrupted protein product. Loss-of-function variants in TONSL are known to be pathogenic (PMID: 30773277). This variant is present in population databases (no rsID available, gnomAD 0.0009%). This variant has not been reported in the literature in individuals affected with TONSL-related conditions. Algorithms developed to predict the effect of sequence changes on RNA splicing suggest that this variant may disrupt the consensus splice site. For these reasons, this variant has been classified as Pathogenic.

Literature cited by the submitters: PubMed 30773277.

NM_013432.5(TONSL):c.3041del (p.Pro1014fs)

Gene: TONSL (tonsoku like, DNA repair protein; minus strand). Cytogenetic location: 8q24.3.
Variant type: Deletion.
Coding change: c.3041del on transcript NM_013432.5 (MANE Select); coding-DNA position 3041, one base deleted (C; older notation c.3041delC).
Protein change: p.Pro1014fs; shifts the reading frame from proline 1014.
Molecular consequence: frameshift variant.
Genome position (GRCh38, 1-based): chr8:144,434,855, G deleted on the plus strand (C on the coding strand, the reverse complement: TONSL is on the minus strand); the first of 5 consecutive G bases (chr8:144,434,855-144,434,859); deleting any one gives the same sequence. VCF-style (leftmost placement, unchanged base first): chr8-144434854-CG-C. GRCh37 (hg19) VCF-style: chr8-145660237-CG-C.
Other names: short protein forms P1014fs.
Identifiers: ClinVar variation 4769295 (VCV004769295.1).